The following is an entry in ClinVar:

ClinVar aggregate classification (germline): Likely benign (0 of 4 stars; one submission).

Conditions:
HTR2C-related disorder. Also called: HTR2C-related condition.

gnomAD v4.1: 24 of 1,190,064 alleles (0.002%); highest among the groups gnomAD compares: Non-Finnish European, 0.0026%; no homozygotes.

Submission:

PreventionGenetics, part of Exact Sciences
Classification: Likely benign for HTR2C-related condition. Last evaluated: 2023-08-30. Review status: no assertion criteria provided. Collection method: clinical testing. Allele origin: germline.
Comment: This variant is classified as likely benign based on ACMG/AMP sequence variant interpretation guidelines (Richards et al. 2015 PMID: 25741868, with internal and published modifications).

NM_000868.4(HTR2C):c.45A>G (p.Leu15=)

Gene: HTR2C (5-hydroxytryptamine receptor 2C; plus strand). Cytogenetic location: Xq23.
Variant type: single nucleotide variant.
Coding change: c.45A>G on transcript NM_000868.4 (MANE Select); coding-DNA position 45, A replaced by G.
Protein change: p.Leu15=; no amino-acid change (leucine 15 retained).
Molecular consequence: synonymous variant.
Genome position (GRCh38, 1-based): chrX:114,731,303, A>G. VCF-style: chrX-114731303-A-G. GRCh37 (hg19) VCF-style: chrX-113965712-A-G.
Other names: c.45A>G, p.Leu15= (NM_001256760.3, NM_001256761.3).
Identifiers: ClinVar variation 3051811 (VCV003051811.2), dbSNP rs2521589474, ClinGen allele CA518245041.